The following is an entry in ClinVar:

ClinVar aggregate classification (germline): Likely benign (1 of 4 stars; one submission).

gnomAD v4.1: 7,692 of 1,614,150 alleles (0.48%); highest among the groups gnomAD compares: Non-Finnish European, 0.6%; 33 homozygotes.

Submission:

CeGaT Center for Human Genetics Tuebingen
Classification: Likely benign. Last evaluated: 2026-06-01. Review status: criteria provided, single submitter. Criteria: CeGaT Center For Human Genetics Tuebingen Variant Classification Criteria Version 2. Collection method: clinical testing. Allele origin: germline. Affected: yes. Observed: 1 variant allele.
Comment: TTC31: BP4, BS2

NM_022492.6(TTC31):c.106G>T (p.Gly36Cys)

Gene: TTC31 (tetratricopeptide repeat domain 31; plus strand). Cytogenetic location: 2p13.1.
Variant type: single nucleotide variant.
Coding change: c.106G>T on transcript NM_022492.6 (MANE Select); coding-DNA position 106, G replaced by T.
Protein change: p.Gly36Cys; replaces glycine 36 with cysteine.
Molecular consequence: missense variant. On other transcripts: 5 prime UTR variant (7), non-coding transcript variant (6).
Genome position (GRCh38, 1-based): chr2:74,483,387, G>T. VCF-style: chr2-74483387-G-T. GRCh37 (hg19) VCF-style: chr2-74710514-G-T.
Other names: c.106G>T, p.Gly36Cys (NM_001376129.1, NM_001376130.1, NM_001376132.1 and 3 more transcripts); c.-158G>T (NM_001376134.1, NM_001376135.1); c.-224G>T (NM_001376138.1, NM_001376139.1, NM_001376141.1 and 2 more transcripts); short protein forms G36C.
Identifiers: ClinVar variation 4872036 (VCV004872036.2).